The following is an entry in ClinVar:

ClinVar aggregate classification (germline): Pathogenic (1 of 4 stars; one submission).

Conditions:
Mucolipidosis type II. Also called: ML II ALPHA/BETA; Mucolipidosis 2; ML 2; Inclusion cell disease; Leroy Disease; N-acetylglucosamine 1phosphotransferase deficiency. Identifiers: Orphanet 576, MedGen C2673377, MONDO:0009650, OMIM 252500.
Pseudo-Hurler polydystrophy. Also called: MUCOLIPIDOSIS IIIA; ML III; ML III ALPHA/BETA; Type III Mucolipidosis; ML IIIA; Mucolipidosis III Alpha/Beta. Identifiers: Orphanet 423461, Orphanet 577, MedGen C0033788, MONDO:0018931, OMIM 252600.

Submission:

Labcorp Genetics (formerly Invitae), Labcorp
Classification: Pathogenic for Pseudo-Hurler polydystrophy; Mucolipidosis type II. Last evaluated: 2020-09-21. Review status: criteria provided, single submitter. Criteria: Invitae Variant Classification Sherloc (09022015). Collection method: clinical testing. Allele origin: germline.
Comment: For these reasons, this variant has been classified as Pathogenic. Loss-of-function variants in GNPTAB are known to be pathogenic (PMID: 19617216, 25107912). This variant has not been reported in the literature in individuals with GNPTAB-related conditions. This variant is not present in population databases (ExAC no frequency). This sequence change creates a premature translational stop signal (p.Ile60Cysfs*16) in the GNPTAB gene. It is expected to result in an absent or disrupted protein product.

Literature cited by the submitters: PubMed 19617216; PubMed 25107912.

NM_024312.5(GNPTAB):c.178_179del (p.Ile60fs)

Gene: GNPTAB (N-acetylglucosamine-1-phosphate transferase subunits alpha and beta; minus strand). Cytogenetic location: 12q23.2.
Variant type: Microsatellite.
Coding change: c.178_179del on transcript NM_024312.5 (MANE Select); coding-DNA positions 178 to 179, 2 bases deleted (AT; older notation c.178_179delAT).
Protein change: p.Ile60fs; shifts the reading frame from isoleucine 60.
Molecular consequence: frameshift variant.
Genome position (GRCh38, 1-based): chr12:101,796,701-101,796,702, AT deleted on the plus strand (AT on the coding strand, the reverse complement: GNPTAB is on the minus strand); deleting any 2 consecutive bases within chr12:101,796,701-101,796,704 gives the same sequence; the c. name uses the placement nearest the transcript's 3' end. VCF-style (leftmost placement, unchanged base first): chr12-101796700-AAT-A. GRCh37 (hg19) VCF-style: chr12-102190478-AAT-A.
Other names: short protein forms I60fs.
Identifiers: ClinVar variation 1075885 (VCV001075885.7), dbSNP rs1869312922, ClinGen allele CA951163740.
Genomic context (GRCh38, chr12:101,796,700, plus strand): 5'-AGGTCCAAATAATAGATTTCTCCAAAATAGATCTTACCGATTCTGAAAGGACTTTCCAGC[AAT>A]ATTGTCTCTATAGGAATCAAACAAAACATGGTATTGATCTCGGCTCCATTCCAGAACCAC-3'